The following is an entry in ClinVar:

ClinVar aggregate classification (germline): Uncertain significance (1 of 4 stars; one submission).

Conditions:
Combined immunodeficiency due to DOCK8 deficiency (HIES2). Also called: Hyper-IgE recurrent infection syndrome, autosomal recessive; HIES autosomal recessive; DOCK8 Deficiency; HYPER-IgE RECURRENT INFECTION SYNDROME 2, AUTOSOMAL RECESSIVE; HYPER-IgE SYNDROME 2, AUTOSOMAL RECESSIVE, WITH RECURRENT INFECTIONS. Identifiers: Orphanet 217390, MedGen C4722305, MONDO:0009478, OMIM 243700.

Allele frequency attached by ClinVar (database versions not stated): gnomAD 0.00001; gnomAD exomes 0.00001; TOPMed 0.00001.
gnomAD v4.1: 2 of 1,614,088 alleles (0.00012%); highest among the groups gnomAD compares: Middle Eastern, 0.016%; no homozygotes.

Submission:

Labcorp Genetics (formerly Invitae), Labcorp
Classification: Uncertain significance for Combined immunodeficiency due to DOCK8 deficiency. Last evaluated: 2021-09-21. Review status: criteria provided, single submitter. Criteria: Invitae Variant Classification Sherloc (09022015). Collection method: clinical testing. Allele origin: germline.
Comment: This sequence change replaces glycine with cysteine at codon 1720 of the DOCK8 protein (p.Gly1720Cys). The glycine residue is highly conserved and there is a large physicochemical difference between glycine and cysteine. This variant is not present in population databases (ExAC no frequency). This variant has not been reported in the literature in individuals affected with DOCK8-related conditions. Algorithms developed to predict the effect of missense changes on protein structure and function are either unavailable or do not agree on the potential impact of this missense change (SIFT: "Deleterious"; PolyPhen-2: "Probably Damaging"; Align-GVGD: "Class C0"). In summary, the available evidence is currently insufficient to determine the role of this variant in disease. Therefore, it has been classified as a Variant of Uncertain Significance.

NM_203447.4(DOCK8):c.5158G>T (p.Gly1720Cys)

Gene: DOCK8 (dedicator of cytokinesis 8; plus strand). Cytogenetic location: 9p24.3.
Variant type: single nucleotide variant.
Coding change: c.5158G>T on transcript NM_203447.4 (MANE Select); coding-DNA position 5158, G replaced by T.
Protein change: p.Gly1720Cys; replaces glycine 1720 with cysteine.
Molecular consequence: missense variant.
Genome position (GRCh38, 1-based): chr9:439,323, G>T. VCF-style: chr9-439323-G-T. GRCh37 (hg19) VCF-style: chr9-439323-G-T.
Other names: c.4858G>T, p.Gly1620Cys (NM_001190458.2); c.4954G>T, p.Gly1652Cys (NM_001193536.2); short protein forms G1620C, G1652C, G1720C.
Identifiers: ClinVar variation 1507745 (VCV001507745.3), dbSNP rs1034358118, ClinGen allele CA187816086.
Genomic context (GRCh38, chr9:439,323, plus strand): 5'-CTGGAGGAGTCTGTGGTCTCTGAGGACACCCTGTCACCTGACGAGGATGGGGTGTGCGCA[G>T]GCCAGTACTTCACCGAGAGTGGCCTGGTAGGCCTCCTGGAGCAGGCCGCGGAGCTCTTCA-3'
Protein context (NP_982272.2, residues 1710-1730): LSPDEDGVCA[Gly1720Cys]QYFTESGLVG